The following is an entry in ClinVar:

NM_007294.4(BRCA1):c.885_888del (p.Asp295fs)

Gene: BRCA1 (BRCA1 DNA repair associated; minus strand). Cytogenetic location: 17q21.31.
Variant type: Deletion.
Coding change: c.885_888del on transcript NM_007294.4 (MANE Select); coding-DNA positions 885 to 888, 4 bases deleted (CAGA; older notation c.885_888delCAGA).
Protein change: p.Asp295fs; shifts the reading frame from aspartic acid 295.
Molecular consequence: frameshift variant. On other transcripts: 5 prime UTR variant (2), intron variant (137).
Genome position (GRCh38, 1-based): chr17:43,094,643-43,094,646, TCTG deleted on the plus strand (CAGA on the coding strand, the reverse complement: BRCA1 is on the minus strand); deleting any 4 consecutive bases within chr17:43,094,643-43,094,649 gives the same sequence; the c. name uses the placement nearest the transcript's 3' end. VCF-style (leftmost placement, unchanged base first): chr17-43094642-TTCTG-T. GRCh37 (hg19) VCF-style: chr17-41246659-TTCTG-T.
Other names: c.885_888delCAGA (NM_007294.3); c.672_675del, p.Asp224fs (NM_001407571.1, NM_001407853.1, NM_001407894.1 and 9 more transcripts); c.885_888del, p.Asp295fs (NM_001407581.1, NM_001407582.1, NM_001407583.1 and 30 more transcripts); c.882_885del, p.Asp294fs (NM_001407587.1, NM_001407590.1, NM_001407591.1 and 22 more transcripts); c.762_765del, p.Asp254fs (NM_001407648.1, NM_001407668.1, NM_001407669.1 and 19 more transcripts); c.759_762del, p.Asp253fs (NM_001407649.1, NM_001407670.1, NM_001407671.1 and 11 more transcripts); c.807_810del, p.Asp269fs (NM_001407653.1, NM_001407654.1, NM_001407655.1 and 4 more transcripts); c.744_747del, p.Asp248fs (NM_001407692.1, NM_001407694.1, NM_001407730.1 and 29 more transcripts); and 42 more; short protein forms D248fs, D295fs, D167fs, D254fs, D269fs, D168fs, D183fs, D207fs.
Identifiers: ClinVar variation 409359 (VCV000409359.14), dbSNP rs1060502359, ClinGen allele CA16615392.
Genomic context (GRCh38, chr17:43,094,642, plus strand): 5'-GGCTCCTTGCTAAGCCAGGCTGTTTGCTTTTATTACAGAATTCAGCCTTTTCTACATTCA[TTCTG>T]TCTTTAGTGAGTAATAAACTGCTGTTCTCATGCTGTAATGAGCTGGCATGAGTATTTGTG-3'

ClinVar aggregate classification (germline): Pathogenic. Review status: reviewed by expert panel (3 of 4 stars). 2 submissions from 2 submitters: Pathogenic (1). 1 of the submissions does not count toward it. Last evaluated 2017-12-15.

Conditions:
Breast-ovarian cancer, familial, susceptibility to, 1 (BROVCA1). Also called: BRCA1 Hereditary Breast and Ovarian Cancer; OVARIAN CANCER, SUSCEPTIBILITY TO. Identifiers: Orphanet 145, MedGen C2676676, MONDO:0011450, OMIM 604370. Disease mechanism: loss of function.
Hereditary breast ovarian cancer syndrome. Also called: Hereditary breast and ovarian cancer syndrome; Breast and ovarian cancer; Hereditary breast and ovarian cancer syndrome (HBOC); Hereditary breast and/or ovarian cancer syndrome; BRCA1- and BRCA2-Associated Hereditary Breast and Ovarian Cancer; Hereditary breast and ovarian cancer. Identifiers: Orphanet 145, MedGen C0677776, MeSH D061325, MONDO:0003582. Disease mechanism: loss of function.

Submissions (2):

Evidence-based Network for the Interpretation of Germline Mutant Alleles (ENIGMA)
Classification: Pathogenic for Breast-ovarian cancer, familial, susceptibility to, 1. Last evaluated: 2017-12-15. Review status: reviewed by expert panel. Criteria: ENIGMA BRCA1/2 Classification Criteria (2017-06-29). Collection method: curation. Allele origin: germline. Study: ENIGMA.
Comment: Variant allele predicted to encode a truncated non-functional protein.

Labcorp Genetics (formerly Invitae), Labcorp
Classification: Pathogenic for Hereditary breast ovarian cancer syndrome. Last evaluated: 2019-07-09. Review status: criteria provided, single submitter. Criteria: Invitae Variant Classification Sherloc (09022015). Collection method: clinical testing. Allele origin: germline. Not counted in ClinVar's aggregate classification.
Comment: This sequence change deletes 4 nucleotides from exon 10 of the BRCA1 mRNA (c.885_888delCAGA), causing a frameshift at codon 295. This creates a premature translational stop signal (p.Asp295Glufs*2) and is expected to result in an absent or disrupted protein product. While this particular variant has not been reported in the literature, loss-of-function variants in BRCA1 are known to be pathogenic (PMID: 20104584). For these reasons, this variant has been classified as Pathogenic.

Literature cited by the submitters: PubMed 20104584 (cited by Labcorp Genetics (formerly Invitae), Labcorp).